The following is an entry in ClinVar:

ClinVar aggregate classification (germline): Uncertain significance (1 of 4 stars; one submission).

Allele frequency attached by ClinVar (database versions not stated): gnomAD exomes below 0.00001; gnomAD 0.00001; TOPMed 0.00001.
gnomAD v4.1: 6 of 1,613,370 alleles (0.00037%); highest among the groups gnomAD compares: African/African-American, 0.0013%; no homozygotes.

Submission:

Labcorp Genetics (formerly Invitae), Labcorp
Classification: Uncertain significance. Last evaluated: 2023-06-29. Review status: criteria provided, single submitter. Criteria: Invitae Variant Classification Sherloc (09022015). Collection method: clinical testing. Allele origin: germline.
Comment: In summary, the available evidence is currently insufficient to determine the role of this variant in disease. Therefore, it has been classified as a Variant of Uncertain Significance. An algorithm developed to predict the effect of missense changes on protein structure and function (PolyPhen-2) suggests that this variant is likely to be disruptive. ClinVar contains an entry for this variant (Variation ID: 1476579). This variant has not been reported in the literature in individuals affected with RNF216-related conditions. This variant is not present in population databases (gnomAD no frequency). This sequence change replaces arginine, which is basic and polar, with cysteine, which is neutral and slightly polar, at codon 728 of the RNF216 protein (p.Arg728Cys).

NM_207111.4(RNF216):c.2182C>T (p.Arg728Cys)

Gene: RNF216 (ring finger protein 216; minus strand). Cytogenetic location: 7p22.1.
Variant type: single nucleotide variant.
Coding change: c.2182C>T on transcript NM_207111.4 (MANE Select); coding-DNA position 2182, C replaced by T.
Protein change: p.Arg728Cys; replaces arginine 728 with cysteine.
Molecular consequence: missense variant.
Genome position (GRCh38, 1-based): chr7:5,641,354, G>A on the plus strand (C>T on the coding strand, the complement: RNF216 is on the minus strand). VCF-style: chr7-5641354-G-A. GRCh37 (hg19) VCF-style: chr7-5680985-G-A.
Other names: c.2011C>T, p.Arg671Cys (NM_001377156.1, NM_207116.3); short protein forms R671C, R728C.
Identifiers: ClinVar variation 1476579 (VCV001476579.8), dbSNP rs1043777466, ClinGen allele CA153208376.
Genomic context (GRCh38, chr7:5,641,354, plus strand): 5'-TGCGGTTGCAGCCTTCAGATTTGATGAGGCCAGTCCCACACTTGTGGCATTTTCTAATGC[G>A]GGCAGCAGTCATTTTTTCTTCACTGAAATAAGAAAACATAATTTGGAGCTGGGAGGGAAG-3'
Protein context (NP_996994.1, residues 718-738): TSIEEKMTAA[Arg728Cys]IRKCHKCGTG